The following is an entry in ClinVar:

NM_152383.5(DIS3L2):c.248C>T (p.Ala83Val)

Gene: DIS3L2 (DIS3 like 3'-5' exoribonuclease 2; plus strand). Cytogenetic location: 2q37.1.
Variant type: single nucleotide variant.
Coding change: c.248C>T on transcript NM_152383.5 (MANE Select); coding-DNA position 248, C replaced by T.
Protein change: p.Ala83Val; replaces alanine 83 with valine.
Molecular consequence: missense variant. On other transcripts: non-coding transcript variant (2).
Genome position (GRCh38, 1-based): chr2:232,024,314, C>T. VCF-style: chr2-232024314-C-T. GRCh37 (hg19) VCF-style: chr2-232889024-C-T.
Other names: c.248C>T, p.Ala83Val (NM_001257281.2, NM_001257282.2); short protein forms A83V.
Identifiers: ClinVar variation 859509 (VCV000859509.9), dbSNP rs113426398, ClinGen allele CA351152795.

ClinVar aggregate classification (germline): Uncertain significance. Review status: criteria provided, multiple submitters, no conflicts (2 of 4 stars). 3 submissions from 3 submitters: Uncertain significance (3). Last evaluated 2025-06-22.

Conditions:
Perlman syndrome (PRLMNS). Identifiers: Orphanet 2849, MedGen C0796113, MONDO:0009965, OMIM 267000.
Inborn genetic diseases. Identifiers: MedGen C0950123, MeSH D030342.

gnomAD v4.1: 8 of 1,564,600 alleles (0.00051%); highest among the groups gnomAD compares: Non-Finnish European, 0.0007%; no homozygotes.

Submissions (3):

Ambry Genetics
Classification: Uncertain significance for Inborn genetic diseases. Last evaluated: 2025-06-22. Review status: criteria provided, single submitter. Criteria: Ambry Variant Classification Scheme 2023. Collection method: clinical testing. Allele origin: germline.

Labcorp Genetics (formerly Invitae), Labcorp
Classification: Uncertain significance for Perlman syndrome. Last evaluated: 2024-04-16. Review status: criteria provided, single submitter. Criteria: Invitae Variant Classification Sherloc (09022015). Collection method: clinical testing. Allele origin: germline.
Comment: This sequence change replaces alanine, which is neutral and non-polar, with valine, which is neutral and non-polar, at codon 83 of the DIS3L2 protein (p.Ala83Val). This variant is not present in population databases (gnomAD no frequency). This variant has not been reported in the literature in individuals affected with DIS3L2-related conditions. ClinVar contains an entry for this variant (Variation ID: 859509). Advanced modeling of protein sequence and biophysical properties (such as structural, functional, and spatial information, amino acid conservation, physicochemical variation, residue mobility, and thermodynamic stability) performed at Invitae indicates that this missense variant is expected to disrupt DIS3L2 protein function with a positive predictive value of 80%. In summary, the available evidence is currently insufficient to determine the role of this variant in disease. Therefore, it has been classified as a Variant of Uncertain Significance.

Fulgent Genetics
Classification: Uncertain significance for Perlman syndrome. Last evaluated: 2024-01-17. Review status: criteria provided, single submitter. Criteria: ACMG Guidelines, 2015. Collection method: clinical testing. Allele origin: germline.